The following is an entry in ClinVar:

NM_004972.4(JAK2):c.2538G>C (p.Glu846Asp)

Genes: INSL6 (insulin like 6; minus strand), JAK2 (Janus kinase 2; plus strand). Cytogenetic location: 9p24.1.
Variant type: single nucleotide variant.
Coding change: c.2538G>C on transcript NM_004972.4 (MANE Select); coding-DNA position 2538, G replaced by C.
Protein change: p.Glu846Asp; replaces glutamic acid 846 with aspartic acid.
Molecular consequence: missense variant. On other transcripts: non-coding transcript variant (2).
Genome position (GRCh38, 1-based): chr9:5,081,828, G>C. VCF-style: chr9-5081828-G-C. GRCh37 (hg19) VCF-style: chr9-5081828-G-C.
Other names: c.2538G>C (NM_004972.3); c.2538G>C, p.Glu846Asp (NM_001322194.2, NM_001322195.2, NM_001322196.2); c.1323G>C, p.Glu441Asp (NM_001322198.2, NM_001322199.2); c.2091G>C, p.Glu697Asp (NM_001322204.2); short protein forms E846D, E697D, E441D.
Identifiers: ClinVar variation 134553 (VCV000134553.22), dbSNP rs150221602, ClinGen allele CA160165.
Genomic context (GRCh38, chr9:5,081,828, plus strand): 5'-GATAGGTGCCCTGGGGTTTTCTGGTGCCTTTGAAGACCGGGATCCTACACAGTTTGAAGA[G>C]AGACATTTGAAATTTCTACAGCAACTTGGCAAGGTAAATTGTCAGAATTTTTTCAAATAG-3'
Protein context (NP_004963.1, residues 836-856): FEDRDPTQFE[Glu846Asp]RHLKFLQQLG

ClinVar aggregate classification (germline): Conflicting classifications of pathogenicity. Review status: criteria provided, conflicting classifications (1 of 4 stars). 8 submissions from 8 submitters: Uncertain significance (4); Benign (1); Likely benign (2). 1 of the submissions does not count toward it. Last evaluated 2026-10-07.

Conditions:
Thrombocythemia 3 (THCYT3). Also called: THROMBOCYTOSIS 3; THROMBOCYTHEMIA 3, SOMATIC. Identifiers: MedGen C3281125, MONDO:0013794, OMIM 614521.
Inherited susceptibility to asthma. Also called: ASTHMA, BRONCHIAL; ASTHMA-RELATED TRAITS, SUSCEPTIBILITY TO; Asthma, susceptibility to. Identifiers: MedGen C1869116, MONDO:0010940, OMIM 600807.

Allele frequency attached by ClinVar (database versions not stated): gnomAD exomes 0.00042 and 0.00087; ESP Exome Variant Server 0.00046; TOPMed 0.00046; ExAC 0.00047; gnomAD 0.00052 and 0.00055.
gnomAD v4.1: 1,380 of 1,613,596 alleles (0.086%); highest among the groups gnomAD compares: Non-Finnish European, 0.1%; no homozygotes.

Submissions (8):

GeneDx
Classification: Uncertain significance. Last evaluated: 2026-10-07. Review status: criteria provided, single submitter. Criteria: GeneDx Variant Classification Process June 2021. Collection method: clinical testing. Allele origin: germline.
Comment: Reported in the published literature in association with erythrocytosis (PMID: 27389715, 37246471, 35764421, 37239426); In silico analysis suggests that this missense variant does not alter protein structure/function; This variant is associated with the following publications: (PMID: 34426522, 27389715, 37239426, 37246471, 35764421, 34482403, 37639050, 40841769, 39671116, 38618943, 42588719, 41053421, 37834019, 42443413)

St. Jude Molecular Pathology, St. Jude Children's Research Hospital
Classification: Uncertain significance for Thrombocythemia 3. Last evaluated: 2026-10-01. Review status: criteria provided, single submitter. Criteria: St. Jude Assertion Criteria 2020. Collection method: clinical testing. Allele origin: germline.
Comment: The JAK2 c.2538G>C p.(Glu846Asp ) missense change has a maximum subpopulation frequency of 0.08% in gnomAD v2.1.1. The in silico tool REVEL is inconclusive about a pathogenic or benign effect of this variant on protein function. Functional assays in vitro show only a modest increase in activation of phosphorylation activity relative to wildtype (PMID: 27389715). To our knowledge, this variant has not been reported in individuals with JAK2-related disease. In summary, the evidence currently availabl e is insufficient to determine the clinical significance of this variant. It has therefore been classified as of uncertain significance.

Labcorp Genetics (formerly Invitae), Labcorp
Classification: Benign. Last evaluated: 2026-02-01. Review status: criteria provided, single submitter. Criteria: Invitae Variant Classification Sherloc (09022015). Collection method: clinical testing. Allele origin: germline.

CeGaT Center for Human Genetics Tuebingen
Classification: Likely benign. Last evaluated: 2025-09-01. Review status: criteria provided, single submitter. Criteria: CeGaT Center For Human Genetics Tuebingen Variant Classification Criteria Version 2. Collection method: clinical testing. Allele origin: germline. Affected: yes. Observed: 2 variant alleles.
Comment: JAK2: BS1

Johns Hopkins Genomics, Johns Hopkins University
Classification: Uncertain significance for Inherited susceptibility to asthma. Last evaluated: 2025-03-20. Review status: criteria provided, single submitter. Criteria: ACMG Guidelines, 2015. Collection method: clinical testing. Allele origin: germline.
Comment: This JAK2 variant (rs150221602) is rare (<0.1%) in a large population dataset (gnomADv2.1.1: 127/282756 total alleles; 0.05%; no homozygotes) and has been reported in ClinVar. It has been previously described in the literature as a germline variant in individuals with erythrocytosis. However, recent family and population-based studies suggest that this variant alone is not sufficient to cause erythrocytosis. Of two bioinformatics tools queried, one predicts that the substitution would be damaging, while another predicts that it would be tolerated, but these algorithms have low specificity, especially for predicting gain of function variants. The glutamate residue at this position is strongly conserved across the vertebrate species assessed. Bioinformatic analysis predicts that this missense variant would not affect normal exon 19 splicing, although this has not been confirmed experimentally to our knowledge. Due to insufficient evidence that this variant is deleterious, we consider the clinical significance of JAK2 c.2538G>C to be uncertain at this time.

Blueprint Genetics
Classification: Likely benign. Last evaluated: 2024-11-25. Review status: criteria provided, single submitter. Criteria: ACMG Guidelines, 2015. Collection method: clinical testing. Allele origin: germline.

Genetic Services Laboratory, University of Chicago
Classification: Uncertain significance. Last evaluated: 2021-12-16. Review status: criteria provided, single submitter. Criteria: ACMG Guidelines, 2015. Collection method: clinical testing. Allele origin: germline. Affected: no.
Comment: DNA sequence analysis of the JAK2 gene demonstrated a sequence change, c.2538G>C, in exon 19 that results in an amino acid change, p.Glu846Asp. This sequence change has been described in the gnomAD database with a frequency of 0.076% in the non-Finnish European subpopulation (dbSNP rs150221602). The p.Glu846Asp change affects a highly conserved amino acid residue located in a domain of the JAK2 protein that is known to be functional. In-silico pathogenicity prediction tools (SIFT, PolyPhen2, Align GVGD, REVEL) provide contradictory results for the p.Glu846Asp substitution. This sequence has been previously described as a germline variant in individuals with myeloproliferative disorders in either the heterozygous or compound heterozygous state (PMID: 30259120, 273897150). An experimental study using a cellular model demonstrated that p.Glu846Asp is a weakly activating mutation (PMID: 273897150). Due to insufficient evidences, the clinical significance of the p.Glu846Asp change remains unknown at this time.

ITMI
No classification provided. Condition: AllHighlyPenetrant. Last evaluated: 2013-09-19. Review status: no classification provided. Collection method: reference population. Allele origin: germline. Not counted in ClinVar's aggregate classification.
Comment: Please see associated publication for description of ethnicities

Literature cited by the submitters: PubMed 27389715 (cited by Johns Hopkins Genomics, Johns Hopkins University); PubMed 34426522 (cited by Johns Hopkins Genomics, Johns Hopkins University); PubMed 34482403 (cited by Johns Hopkins Genomics, Johns Hopkins University); PubMed 35764421 (cited by Johns Hopkins Genomics, Johns Hopkins University); PubMed 37239426 (cited by Johns Hopkins Genomics, Johns Hopkins University); PubMed 24728327 (cited by ITMI).